The following is an entry in ClinVar:

NM_001242896.3(DEPDC5):c.3630G>A (p.Val1210=)

Gene: DEPDC5 (DEP domain containing 5, GATOR1 subcomplex subunit; plus strand). Cytogenetic location: 22q12.3.
Variant type: single nucleotide variant.
Coding change: c.3630G>A on transcript NM_001242896.3 (MANE Select); coding-DNA position 3630, G replaced by A.
Protein change: p.Val1210=; no amino-acid change (valine 1210 retained).
Molecular consequence: synonymous variant. On other transcripts: non-coding transcript variant (4).
Genome position (GRCh38, 1-based): chr22:31,874,339, G>A. VCF-style: chr22-31874339-G-A. GRCh37 (hg19) VCF-style: chr22-32270325-G-A.
Other names: c.3564G>A, p.Val1188= (NM_001364320.2, NM_001363852.2); c.3546G>A, p.Val1182= (NM_001369901.1, NM_001369902.1); c.3537G>A, p.Val1179= (NM_001369903.1, NM_014662.6); c.3396G>A, p.Val1132= (NM_001363854.2, NM_001364319.2); c.3630G>A, p.Val1210= (NM_001364318.2); c.3603G>A, p.Val1201= (NM_001136029.4); c.3330G>A, p.Val1110= (NM_001242897.2).
Identifiers: ClinVar variation 1142919 (VCV001142919.8), dbSNP rs2149256621, ClinGen allele CA514268601.

ClinVar aggregate classification (germline): Conflicting classifications of pathogenicity. Review status: criteria provided, conflicting classifications (1 of 4 stars). 2 submissions from 2 submitters: Uncertain significance (1); Likely benign (1). Last evaluated 2024-07-03.

Conditions:
Familial focal epilepsy with variable foci (FPEVF). Identifiers: Orphanet 98820, MedGen C1858477, MONDO:0020310.

Submissions (2):

Labcorp Genetics (formerly Invitae), Labcorp
Classification: Likely benign for Familial focal epilepsy with variable foci. Last evaluated: 2024-07-03. Review status: criteria provided, single submitter. Criteria: Invitae Variant Classification Sherloc (09022015). Collection method: clinical testing. Allele origin: germline.

GeneDx
Classification: Uncertain significance. Last evaluated: 2021-06-19. Review status: criteria provided, single submitter. Criteria: GeneDx Variant Classification Process June 2021. Collection method: clinical testing. Allele origin: germline. Affected: yes.
Comment: Not observed at significant frequency in large population cohorts (Lek et al., 2016); Has not been previously published as pathogenic or benign to our knowledge; In silico analysis suggests this variant may impact gene splicing. In the absence of RNA/functional studies, the actual effect of this sequence change is unknown.; This variant is associated with the following publications: (PMID: 27535533)